The following is an entry in ClinVar:

ClinVar aggregate classification (germline): Uncertain significance (1 of 4 stars; one submission).

Conditions:
Myopathy, proximal, and ophthalmoplegia (CMYO6). Also called: INCLUSION BODY MYOPATHY 3, AUTOSOMAL DOMINANT; MYOPATHY WITH CONGENITAL JOINT CONTRACTURES, OPHTHALMOPLEGIA, AND RIMMED VACUOLES; CONGENITAL MYOPATHY 6 WITH OPHTHALMOPLEGIA. Identifiers: Orphanet 363677, Orphanet 79091, MedGen C1854106, MONDO:0011577, OMIM 605637.

gnomAD v4.1: 1 of 1,614,192 alleles (0.000062%); highest among the groups gnomAD compares: African/African-American, 0.0013%; no homozygotes.

Submission:

Labcorp Genetics (formerly Invitae), Labcorp
Classification: Uncertain significance for Myopathy, proximal, and ophthalmoplegia. Last evaluated: 2022-06-13. Review status: criteria provided, single submitter. Criteria: Invitae Variant Classification Sherloc (09022015). Collection method: clinical testing. Allele origin: germline.
Comment: In summary, the available evidence is currently insufficient to determine the role of this variant in disease. Therefore, it has been classified as a Variant of Uncertain Significance. Algorithms developed to predict the effect of missense changes on protein structure and function (SIFT, PolyPhen-2, Align-GVGD) all suggest that this variant is likely to be disruptive. This variant has not been reported in the literature in individuals affected with MYH2-related conditions. This variant is not present in population databases (gnomAD no frequency). This sequence change replaces leucine, which is neutral and non-polar, with valine, which is neutral and non-polar, at codon 1856 of the MYH2 protein (p.Leu1856Val).

NM_017534.6(MYH2):c.5566C>G (p.Leu1856Val)

Genes: MYHAS (myosin heavy chain gene cluster antisense RNA; plus strand), MYH2 (myosin heavy chain 2; minus strand). Cytogenetic location: 17p13.1.
Variant type: single nucleotide variant.
Coding change: c.5566C>G on transcript NM_017534.6 (MANE Select); coding-DNA position 5566, C replaced by G.
Protein change: p.Leu1856Val; replaces leucine 1856 with valine.
Molecular consequence: missense variant.
Genome position (GRCh38, 1-based): chr17:10,523,319, G>C on the plus strand (C>G on the coding strand, the complement: MYH2 is on the minus strand). VCF-style: chr17-10523319-G-C. GRCh37 (hg19) VCF-style: chr17-10426636-G-C.
Other names: c.5566C>G, p.Leu1856Val (NM_001100112.2); short protein forms L1856V.
Identifiers: ClinVar variation 2175614 (VCV002175614.4), dbSNP rs1488236141, ClinGen allele CA398114708.